The following is an entry in ClinVar:

ClinVar aggregate classification (germline): Uncertain significance (1 of 4 stars; one submission).

Conditions:
Emery-Dreifuss muscular dystrophy 5, autosomal dominant (EDMD5). Also called: EMERY-DREIFUSS MUSCULAR DYSTROPHY 5. Identifiers: Orphanet 261, MedGen C2751805, MONDO:0013072, OMIM 612999.

Allele frequency attached by ClinVar (database versions not stated): ExAC 0.00001; gnomAD exomes 0.00001; gnomAD 0.00002.
gnomAD v4.1: 14 of 1,566,700 alleles (0.00089%); highest among the groups gnomAD compares: East Asian, 0.0068%; no homozygotes.

Submission:

Labcorp Genetics (formerly Invitae), Labcorp
Classification: Uncertain significance for Emery-Dreifuss muscular dystrophy 5, autosomal dominant. Last evaluated: 2023-06-03. Review status: criteria provided, single submitter. Criteria: Invitae Variant Classification Sherloc (09022015). Collection method: clinical testing. Allele origin: germline.
Comment: This sequence change replaces glutamine, which is neutral and polar, with lysine, which is basic and polar, at codon 939 of the SYNE2 protein (p.Gln939Lys). This variant is present in population databases (rs761549850, gnomAD 0.006%). This variant has not been reported in the literature in individuals affected with SYNE2-related conditions. An algorithm developed to predict the effect of missense changes on protein structure and function (PolyPhen-2) suggests that this variant is likely to be tolerated. In summary, the available evidence is currently insufficient to determine the role of this variant in disease. Therefore, it has been classified as a Variant of Uncertain Significance.

NM_182914.3(SYNE2):c.2815C>A (p.Gln939Lys)

Gene: SYNE2 (spectrin repeat containing nuclear envelope protein 2; plus strand). Cytogenetic location: 14q23.2.
Variant type: single nucleotide variant.
Coding change: c.2815C>A on transcript NM_182914.3 (MANE Select); coding-DNA position 2815, C replaced by A.
Protein change: p.Gln939Lys; replaces glutamine 939 with lysine.
Molecular consequence: missense variant.
Genome position (GRCh38, 1-based): chr14:63,995,077, C>A. VCF-style: chr14-63995077-C-A. GRCh37 (hg19) VCF-style: chr14-64461795-C-A.
Other names: c.2815C>A, p.Gln939Lys (NM_015180.6); short protein forms Q939K.
Identifiers: ClinVar variation 2724294 (VCV002724294.3), dbSNP rs761549850, ClinGen allele CA7219807.